The following is an entry in ClinVar:

NM_000059.4(BRCA2):c.7781A>G (p.Lys2594Arg)

Gene: BRCA2 (BRCA2 DNA repair associated; plus strand). Cytogenetic location: 13q13.1.
Variant type: single nucleotide variant.
Coding change: c.7781A>G on transcript NM_000059.4 (MANE Select); coding-DNA position 7781, A replaced by G.
Protein change: p.Lys2594Arg; replaces lysine 2594 with arginine.
Molecular consequence: missense variant.
Genome position (GRCh38, 1-based): chr13:32,357,905, A>G. VCF-style: chr13-32357905-A-G. GRCh37 (hg19) VCF-style: chr13-32932042-A-G.
Other names: short protein forms K2594R.
Identifiers: ClinVar variation 234138 (VCV000234138.28), dbSNP rs876660874, ClinGen allele CA10579754.

ClinVar aggregate classification (germline): Conflicting classifications of pathogenicity. Review status: criteria provided, conflicting classifications (1 of 4 stars). 11 submissions from 11 submitters: Uncertain significance (10); Likely benign (1). Last evaluated 2026-07-06.

Conditions:
Hereditary cancer-predisposing syndrome. Also called: Hereditary neoplastic syndrome; Hereditary Cancer Syndrome; Neoplastic Syndromes, Hereditary; Tumor predisposition. Identifiers: Orphanet 140162, MedGen C0027672, MeSH D009386, MONDO:0015356.
Hereditary breast ovarian cancer syndrome. Also called: Hereditary breast and ovarian cancer syndrome; Breast and ovarian cancer; Hereditary breast and ovarian cancer; Hereditary breast and ovarian cancer syndrome (HBOC); BRCA1- and BRCA2-Associated Hereditary Breast and Ovarian Cancer; Hereditary breast and/or ovarian cancer syndrome. Identifiers: Orphanet 145, MedGen C0677776, MeSH D061325, MONDO:0003582. Disease mechanism: loss of function.
Breast-ovarian cancer, familial, susceptibility to, 2 (BROVCA2). Also called: BRCA2 Hereditary Breast and Ovarian Cancer. Identifiers: Orphanet 145, MedGen C2675520, MONDO:0012933, OMIM 612555. Disease mechanism: loss of function.
Fanconi anemia complementation group D1. Also called: BRCA2-Related Fanconi Anemia. Identifiers: Orphanet 319462, MedGen C1838457, MONDO:0011584, OMIM 605724.
Medulloblastoma (MDB). Also called: MEDULLOBLASTOMA PREDISPOSITION SYNDROME; Medulloblastoma, somatic. Identifiers: Orphanet 616, MedGen C0025149, MeSH D008527, MONDO:0007959, OMIM 155255, HP:0002885.
Prostate cancer. Also called: Malignant tumor of prostate. Identifiers: Orphanet 1331, MedGen C0376358, MONDO:0008315, HP:0012125.
Familial cancer of breast. Also called: hereditary breast carcinoma; BREAST CANCER, FAMILIAL; Hereditary breast cancer. Identifiers: Orphanet 227535, MedGen C0346153, MONDO:0016419, OMIM 114480. Disease mechanism: loss of function.
Wilms tumor 1 (WT1). Also called: Wilms tumor, somatic. Identifiers: Orphanet 654, MedGen CN033288, MONDO:0008679, OMIM 194070.
Pancreatic cancer, susceptibility to, 2. Identifiers: Orphanet 1333, MedGen C3150546, MONDO:0013235, OMIM 613347.
Glioma susceptibility 3 (GLM3). Also called: Glioblastoma 3. Identifiers: Orphanet 182067, Orphanet 360, MedGen C2751641, MONDO:0013093, OMIM 613029.

Allele frequency attached by ClinVar (database versions not stated): gnomAD exomes below 0.00001.
gnomAD v4.1: 3 of 1,614,132 alleles (0.00019%); highest among the groups gnomAD compares: Non-Finnish European, 0.000085%; no homozygotes.

Submissions (11):

KCCC/NGS Laboratory, Kuwait Cancer Control Center
Classification: Uncertain significance for Breast-ovarian cancer, familial, susceptibility to, 2. Last evaluated: 2026-07-06. Review status: criteria provided, single submitter. Criteria: ACMG Guidelines, 2015. Collection method: clinical testing. Allele origin: germline. Inheritance: Autosomal dominant inheritance. Affected: yes.
Comment: A variant of uncertain significance was detected in BRCA2 gene (c.7781A>G, NM_000059.3). This sequence change replaces lysine, which is basic and polar, with arginine, which is basic and polar, at codon 2594 of the BRCA2 protein (p.Lys2594Arg). This variant is present in population databases (no rsID available, gnomAD 0.0009%). This variant has not been reported in the literature in individuals affected with BRCA2-related conditions. ClinVar contains an entry for this variant (Variation ID: 234138). Computational prediction is inconclusive regarding the impact of this variant on protein structure and function. In summary, the available evidence is currently insufficient to determine the role of this variant in disease. Therefore, it has been classified as a Variant of Uncertain Significance.

Labcorp Genetics (formerly Invitae), Labcorp
Classification: Uncertain significance for Hereditary breast ovarian cancer syndrome. Last evaluated: 2026-01-28. Review status: criteria provided, single submitter. Criteria: Invitae Variant Classification Sherloc (09022015). Collection method: clinical testing. Allele origin: germline.
Comment: This sequence change replaces lysine, which is basic and polar, with arginine, which is basic and polar, at codon 2594 of the BRCA2 protein (p.Lys2594Arg). This variant is present in population databases (no rsID available, gnomAD 0.0009%). This variant has not been reported in the literature in individuals affected with BRCA2-related conditions. ClinVar contains an entry for this variant (Variation ID: 234138). Invitae Evidence Modeling of protein sequence and biophysical properties (such as structural, functional, and spatial information, amino acid conservation, physicochemical variation, residue mobility, and thermodynamic stability) indicates that this missense variant is not expected to disrupt BRCA2 protein function with a negative predictive value of 95%. In summary, the available evidence is currently insufficient to determine the role of this variant in disease. Therefore, it has been classified as a Variant of Uncertain Significance.

Ambry Genetics
Classification: Likely benign for Hereditary cancer-predisposing syndrome. Last evaluated: 2025-05-19. Review status: criteria provided, single submitter. Criteria: Ambry Variant Classification Scheme 2023. Collection method: clinical testing. Allele origin: germline.

Molecular Pathology, Peter Maccallum Cancer Centre
Classification: Uncertain significance for Breast-ovarian cancer, familial, susceptibility to, 2. Last evaluated: 2024-12-30. Review status: criteria provided, single submitter. Criteria: ACMG Guidelines, 2015. Collection method: clinical testing. Allele origin: germline. Inheritance: Autosomal dominant inheritance.

Clinical Genetics Laboratory, Skane University Hospital Lund
Classification: Uncertain significance. Last evaluated: 2023-12-14. Review status: criteria provided, single submitter. Criteria: ACMG Guidelines, 2015. Collection method: clinical testing. Allele origin: germline. Affected: yes.

All of Us Research Program, National Institutes of Health
Classification: Uncertain significance for Breast-ovarian cancer, familial, susceptibility to, 2. Last evaluated: 2023-12-01. Review status: criteria provided, single submitter. Criteria: ACMG Guidelines, 2015. Collection method: clinical testing. Allele origin: germline. Inheritance: Autosomal dominant inheritance. Observed: 1 variant allele, 1 heterozygote.
Comment: This missense variant replaces lysine with arginine at codon 2594 of the BRCA2 protein. Computational prediction is inconclusive regarding the impact of this variant on protein structure and function (internally defined REVEL score threshold 0.5 < inconclusive < 0.7, PMID: 27666373). To our knowledge, functional studies have not been reported for this variant. This variant has not been reported in individuals affected with hereditary cancer in the literature. This variant has been identified in 1/251398 chromosomes in the general population by the Genome Aggregation Database (gnomAD). The available evidence is insufficient to determine the role of this variant in disease conclusively. Therefore, this variant is classified as a Variant of Uncertain Significance.

This study involves interpretation of variants in research participants for the purpose of population health screening. Participant phenotype was not available at the time of variant classification. Additional details can be found in publication PMID: 35346344, PMCID: PMC8962531

Quest Diagnostics Nichols Institute San Juan Capistrano
Classification: Uncertain significance. Last evaluated: 2022-10-28. Review status: criteria provided, single submitter. Criteria: Quest Diagnostics criteria. Collection method: clinical testing. Allele origin: unknown.
Comment: The variant has not been reported in the published literature. The frequency of this variant in the general population, 0.000004 (1/251398 chromosomes), is uninformative in assessment of its pathogenicity. Analysis of this variant using bioinformatics tools for the prediction of the effect of amino acid changes on protein structure and function yielded conflicting predictions that this variant is benign or damaging. Based on the available information, we are unable to determine the clinical significance of this variant.

Color Diagnostics, LLC DBA Color Health
Classification: Uncertain significance for Hereditary cancer-predisposing syndrome. Last evaluated: 2021-07-07. Review status: criteria provided, single submitter. Criteria: ACMG Guidelines, 2015. Collection method: clinical testing. Allele origin: germline.
Comment: This missense variant replaces lysine with arginine at codon 2594 of the BRCA2 protein. Computational prediction is inconclusive regarding the impact of this variant on protein structure and function (internally defined REVEL score threshold 0.5 < inconclusive < 0.7, PMID: 27666373). To our knowledge, functional studies have not been reported for this variant. This variant has not been reported in individuals affected with hereditary cancer in the literature. This variant has been identified in 1/251398 chromosomes in the general population by the Genome Aggregation Database (gnomAD). The available evidence is insufficient to determine the role of this variant in disease conclusively. Therefore, this variant is classified as a Variant of Uncertain Significance.

GeneDx
Classification: Uncertain significance. Last evaluated: 2021-04-20. Review status: criteria provided, single submitter. Criteria: GeneDx Variant Classification Process June 2021. Collection method: clinical testing. Allele origin: germline. Affected: yes.
Comment: Not observed at a significant frequency in large population cohorts (Lek 2016); In silico analysis supports that this missense variant does not alter protein structure/function; Has not been previously published as pathogenic or benign to our knowledge; Also known as 8009A>G; This variant is associated with the following publications: (PMID: 32560092)

Blueprint Genetics
Classification: Uncertain significance. Last evaluated: 2020-11-30. Review status: criteria provided, single submitter. Criteria: ACMG Guidelines, 2015. Collection method: clinical testing. Allele origin: germline.

Fulgent Genetics
Classification: Uncertain significance for Familial cancer of breast; Medulloblastoma; Familial prostate cancer; Wilms tumor 1; Fanconi anemia complementation group D1; Breast-ovarian cancer, familial, susceptibility to, 2; Glioma susceptibility 3; Pancreatic cancer, susceptibility to, 2. Last evaluated: 2018-10-31. Review status: criteria provided, single submitter. Criteria: ACMG Guidelines, 2015. Collection method: clinical testing. Allele origin: unknown.